The following is an entry in ClinVar:

NM_006236.3(POU3F3):c.75C>G (p.Asp25Glu)

Gene: POU3F3 (POU class 3 homeobox 3; plus strand). Cytogenetic location: 2q12.1.
Variant type: single nucleotide variant.
Coding change: c.75C>G on transcript NM_006236.3 (MANE Select); coding-DNA position 75, C replaced by G.
Protein change: p.Asp25Glu; replaces aspartic acid 25 with glutamic acid.
Molecular consequence: missense variant.
Genome position (GRCh38, 1-based): chr2:104,855,585, C>G. VCF-style: chr2-104855585-C-G. GRCh37 (hg19) VCF-style: chr2-105472043-C-G.
Other names: short protein forms D25E.
Identifiers: ClinVar variation 2525858 (VCV002525858.2), dbSNP rs1268151237, ClinGen allele CA348095976.

ClinVar aggregate classification (germline): Uncertain significance (1 of 4 stars; one submission).

Conditions:
Inborn genetic diseases. Identifiers: MedGen C0950123, MeSH D030342.

Allele frequency attached by ClinVar (database versions not stated): gnomAD 0.00002.

Submission:

Ambry Genetics
Classification: Uncertain significance for Inborn genetic diseases. Last evaluated: 2023-03-21. Review status: criteria provided, single submitter. Criteria: Ambry Variant Classification Scheme 2023. Collection method: clinical testing. Allele origin: germline.
Comment: The c.75C>G (p.D25E) alteration is located in exon 1 (coding exon 1) of the POU3F3 gene. This alteration results from a C to G substitution at nucleotide position 75, causing the aspartic acid (D) at amino acid position 25 to be replaced by a glutamic acid (E). Based on data from gnomAD, the G allele has an overall frequency of 0.005% (1/19992) total alleles studied. The highest observed frequency was 0.015% (1/6690) of African alleles. This amino acid position is conserved in available vertebrate species with limited sequence alignment. This alteration is predicted to be tolerated by in silico analysis. Based on insufficient or conflicting evidence, the clinical significance of this alteration remains unclear.